The following is an entry in ClinVar:

NM_001972.4(ELANE):c.701del (p.Pro234fs)

Gene: ELANE (elastase, neutrophil expressed; plus strand). Cytogenetic location: 19p13.3.
Variant type: Deletion.
Coding change: c.701del on transcript NM_001972.4 (MANE Select); coding-DNA position 701, one base deleted (C; older notation c.701delC).
Protein change: p.Pro234fs; shifts the reading frame from proline 234.
Molecular consequence: frameshift variant.
Genome position (GRCh38, 1-based): chr19:856,061, C deleted; the last of 4 consecutive C bases (chr19:856,058-856,061); deleting any one gives the same sequence. VCF-style (leftmost placement, unchanged base first): chr19-856057-GC-G. GRCh37 (hg19) VCF-style: chr19-856057-GC-G.
Other names: short protein forms P234fs.
Identifiers: ClinVar variation 4783837 (VCV004783837.1).
Genomic context (GRCh38, chr19:856,057, plus strand): 5'-CACGGAATTGCCTCCTTCGTCCGGGGAGGCTGCGCCTCAGGGCTCTACCCCGATGCCTTT[GC>G]CCCGGTGGCACAGTTTGTAAACTGGATCGACTCTATCATCCAACGCTCCGAGGACAACCC-3'

ClinVar aggregate classification (germline): Uncertain significance (1 of 4 stars; one submission).

Conditions:
Neutropenia, severe congenital, 1, autosomal dominant. Identifiers: MedGen C1859966, MONDO:0042490, OMIM 202700.
Cyclical neutropenia. Also called: Cyclic Neutropenia; Cyclic hematopoiesis. Identifiers: Orphanet 2686, MedGen C0221023, MONDO:0008090, OMIM 162800, HP:0040289. Disease mechanism: loss of function.

Submission:

Labcorp Genetics (formerly Invitae), Labcorp
Classification: Uncertain significance for Neutropenia, severe congenital, 1, autosomal dominant; Cyclical neutropenia. Last evaluated: 2025-11-06. Review status: criteria provided, single submitter. Criteria: Invitae Variant Classification Sherloc (09022015). Collection method: clinical testing. Allele origin: germline.
Comment: This sequence change creates a premature translational stop signal (p.Pro234Argfs*6) in the ELANE gene. While this is not anticipated to result in nonsense mediated decay, it is expected to disrupt the last 34 amino acid(s) of the ELANE protein. This variant is not present in population databases (gnomAD no frequency). This premature translational stop signal has been observed in individual(s) with congenital neutropenia (PMID: 11001877). This variant is also known as delC16340. In summary, the available evidence is currently insufficient to determine the role of this variant in disease. Therefore, it has been classified as a Variant of Uncertain Significance.

Literature cited by the submitters: PubMed 11001877.